The following is an entry in ClinVar:

NC_012920.1(MT-ND5):m.13391A>G

Gene: MT-ND5 (mitochondrially encoded NADH dehydrogenase 5; plus strand).
Variant type: single nucleotide variant.
Genome position: chrM-13391-A-G.
Identifiers: ClinVar variation 693551 (VCV000693551.1), dbSNP rs1603224173, ClinGen allele CA414817783.
Genomic context (GRCh38, chrMT:13,391, plus strand): 5'-ACGCCTTCTTCAAAGCCATACTATTTATGTGCTCCGGGTCCATCATCCACAACCTTAACA[A>G]TGAACAAGATATTCGAAAAATAGGAGGACTACTCAAAACCATACCTCTCACTTCAACCTC-3'

ClinVar aggregate classification (germline): Uncertain significance (1 of 4 stars; one submission).

Conditions:
Leigh syndrome (NULS). Also called: Leigh's necrotizing encephalopathy; Leigh's disease; Leigh Syndrome (mtDNA deletion); Leigh Disease; Subacute necrotizing encephalopathy; Necrotizing encephalopathy infantile subacute of Leigh. Identifiers: Orphanet 506, MedGen C2931891, MONDO:0009723, OMIM 256000.

Submission:

Wong Mito Lab, Molecular and Human Genetics, Baylor College of Medicine
Classification: Uncertain significance for Leigh syndrome. Last evaluated: 2019-10-17. Review status: criteria provided, single submitter. Criteria: Modified ACMG Guidelines (Unpublished). Collection method: clinical testing. Allele origin: germline.
Comment: The NC_012920.1:m.13391A>G (YP_003024036.1:p.Asn352Ser) variant in MTND5 gene is interpretated to be a Uncertain Significance variant based on the modified ACMG guidelines (unpublished). This variant meets the following evidence codes: BS1